The following is an entry in ClinVar:

ClinVar aggregate classification (germline): Uncertain significance. Review status: criteria provided, multiple submitters, no conflicts (2 of 4 stars). 3 submissions from 3 submitters: Uncertain significance (3). Last evaluated 2026-01-27.

Conditions:
Inborn genetic diseases. Identifiers: MedGen C0950123, MeSH D030342.
Congenital myasthenic syndrome 8. Also called: Myasthenic syndrome, congenital, 8, with pre- and postsynaptic defects; MYASTHENIC SYNDROME, CONGENITAL, DUE TO AGRIN DEFICIENCY. Identifiers: Orphanet 590, MedGen C3808739, MONDO:0014052, OMIM 615120.

Allele frequency attached by ClinVar (database versions not stated): gnomAD 0.00014 and 0.00015; gnomAD exomes 0.00015; ExAC 0.00017; TOPMed 0.00018; ESP Exome Variant Server 0.00031.
gnomAD v4.1: 388 of 1,613,916 alleles (0.024%); highest among the groups gnomAD compares: South Asian, 0.041%; 1 homozygote.

Submissions (3):

Labcorp Genetics (formerly Invitae), Labcorp
Classification: Uncertain significance for Congenital myasthenic syndrome 8. Last evaluated: 2026-01-27. Review status: criteria provided, single submitter. Criteria: Invitae Variant Classification Sherloc (09022015). Collection method: clinical testing. Allele origin: germline.
Comment: This sequence change replaces valine, which is neutral and non-polar, with methionine, which is neutral and non-polar, at codon 913 of the AGRN protein (p.Val913Met). This variant is present in population databases (rs140120617, gnomAD 0.04%). This variant has not been reported in the literature in individuals affected with AGRN-related conditions. ClinVar contains an entry for this variant (Variation ID: 474109). An algorithm developed to predict the effect of missense changes on protein structure and function outputs the following: PolyPhen-2: "Possibly Damaging". The methionine amino acid residue is found in multiple mammalian species, which suggests that this missense change does not adversely affect protein function. In summary, the available evidence is currently insufficient to determine the role of this variant in disease. Therefore, it has been classified as a Variant of Uncertain Significance.

Blueprint Genetics
Classification: Uncertain significance. Last evaluated: 2024-06-04. Review status: criteria provided, single submitter. Criteria: ACMG Guidelines, 2015. Collection method: clinical testing. Allele origin: germline.

Ambry Genetics
Classification: Uncertain significance for Inborn genetic diseases. Last evaluated: 2021-07-09. Review status: criteria provided, single submitter. Criteria: Ambry Variant Classification Scheme 2023. Collection method: clinical testing. Allele origin: germline.

NM_198576.4(AGRN):c.2737G>A (p.Val913Met)

Gene: AGRN (agrin; plus strand). Cytogenetic location: 1p36.33.
Variant type: single nucleotide variant.
Coding change: c.2737G>A on transcript NM_198576.4 (MANE Select); coding-DNA position 2737, G replaced by A.
Protein change: p.Val913Met; replaces valine 913 with methionine.
Molecular consequence: missense variant.
Genome position (GRCh38, 1-based): chr1:1,046,020, G>A. VCF-style: chr1-1046020-G-A. GRCh37 (hg19) VCF-style: chr1-981400-G-A.
Other names: c.2737G>A, p.Val913Met (NM_001305275.2); c.2422G>A, p.Val808Met (NM_001364727.2); short protein forms V913M, V808M.
Identifiers: ClinVar variation 474109 (VCV000474109.10), dbSNP rs140120617, ClinGen allele CA508791.